The following is an entry in ClinVar:

ClinVar aggregate classification (germline): Likely benign (1 of 4 stars; one submission).

Allele frequency attached by ClinVar (database versions not stated): 1000 Genomes Project 0.00300; 1000 Genomes Project 30x 0.00359.
gnomAD v4.1: 785 of 1,613,006 alleles (0.049%); highest among the groups gnomAD compares: South Asian, 0.81%; 12 homozygotes.

Submission:

CeGaT Center for Human Genetics Tuebingen
Classification: Likely benign. Last evaluated: 2024-06-01. Review status: criteria provided, single submitter. Criteria: CeGaT Center For Human Genetics Tuebingen Variant Classification Criteria Version 2. Collection method: clinical testing. Allele origin: germline. Affected: yes. Observed: 1 variant allele.
Comment: MOG: BP4

NM_206809.4(MOG):c.215C>T (p.Pro72Leu)

Gene: MOG (myelin oligodendrocyte glycoprotein; plus strand). Cytogenetic location: 6p22.1.
Variant type: single nucleotide variant.
Coding change: c.215C>T on transcript NM_206809.4 (MANE Select); coding-DNA position 215, C replaced by T.
Protein change: p.Pro72Leu; replaces proline 72 with leucine.
Molecular consequence: missense variant. On other transcripts: intron variant (2).
Genome position (GRCh38, 1-based): chr6:29,659,445, C>T. VCF-style: chr6-29659445-C-T. GRCh37 (hg19) VCF-style: chr6-29627222-C-T.
Other names: c.215C>T, p.Pro72Leu (NM_001008228.3, NM_001008229.3, NM_001363610.2 and 4 more transcripts); c.88+2148C>T (NM_001170418.2, NM_206814.6); short protein forms P72L.
Identifiers: ClinVar variation 3250856 (VCV003250856.18), dbSNP rs138169338.